The following is an entry in ClinVar:

ClinVar aggregate classification (germline): Likely benign. Review status: criteria provided, single submitter (1 of 4 stars). 2 submissions from 2 submitters: Likely benign (1). 1 of the submissions does not count toward it. Last evaluated 2025-12-14.

Conditions:
Stickler syndrome type 1 (STL1). Also called: ARTHROOPHTHALMOPATHY, HEREDITARY PROGRESSIVE; COL2A1-Related Stickler Syndrome; STICKLER SYNDROME, MEMBRANOUS VITREOUS TYPE; STICKLER SYNDROME, VITREOUS TYPE 1. Identifiers: Orphanet 828, Orphanet 90653, MedGen C2020284, MONDO:0007160, OMIM 108300.

Allele frequency attached by ClinVar (database versions not stated): gnomAD 0.00001; TOPMed 0.00001; gnomAD exomes 0.00002; ExAC 0.00005.
gnomAD v4.1: 21 of 1,562,750 alleles (0.0013%); highest among the groups gnomAD compares: East Asian, 0.0024%; no homozygotes.

Submissions (2):

Labcorp Genetics (formerly Invitae), Labcorp
Classification: Likely benign. Last evaluated: 2025-12-14. Review status: criteria provided, single submitter. Criteria: Invitae Variant Classification Sherloc (09022015). Collection method: clinical testing. Allele origin: germline.

MVZ Praenatalmedizin und Genetik Nuernberg
Classification: Likely benign for Stickler syndrome type 1. Last evaluated: 2017-02-28. Review status: no assertion criteria provided. Collection method: clinical testing. Allele origin: germline. Inheritance: Autosomal dominant inheritance. Affected: yes. Observed: 1 variant allele, 1 heterozygote. Not counted in ClinVar's aggregate classification.
Comment: rare variant (ExAC) classified as likely benign (probably silent mutation): i) wobble base with low conservation, adenin on this position is probably evolutionary functional ii) multiple in silico analyses with benign consent

NM_001844.5(COL2A1):c.1452C>T (p.Pro484=)

Gene: COL2A1 (collagen type II alpha 1 chain; minus strand). Cytogenetic location: 12q13.11.
Variant type: single nucleotide variant.
Coding change: c.1452C>T on transcript NM_001844.5 (MANE Select); coding-DNA position 1452, C replaced by T.
Protein change: p.Pro484=; no amino-acid change (proline 484 retained).
Molecular consequence: synonymous variant.
Genome position (GRCh38, 1-based): chr12:47,986,411, G>A on the plus strand (C>T on the coding strand, the complement: COL2A1 is on the minus strand). VCF-style: chr12-47986411-G-A. GRCh37 (hg19) VCF-style: chr12-48380194-G-A.
Other names: c.1245C>T, p.Pro415= (NM_033150.3).
Identifiers: ClinVar variation 403714 (VCV000403714.6), dbSNP rs755093756, ClinGen allele CA6535473.